The following is an entry in ClinVar:

NM_005228.5(EGFR):c.805C>T (p.Leu269Phe)

Gene: EGFR (epidermal growth factor receptor; plus strand). Cytogenetic location: 7p11.2.
Variant type: single nucleotide variant.
Coding change: c.805C>T on transcript NM_005228.5 (MANE Select); coding-DNA position 805, C replaced by T.
Protein change: p.Leu269Phe; replaces leucine 269 with phenylalanine.
Molecular consequence: missense variant. On other transcripts: intron variant (1).
Genome position (GRCh38, 1-based): chr7:55,154,068, C>T. VCF-style: chr7-55154068-C-T. GRCh37 (hg19) VCF-style: chr7-55221761-C-T.
Other names: c.670C>T, p.Leu224Phe (NM_001346897.2, NM_001346899.2); c.805C>T, p.Leu269Phe (NM_001346898.2, NM_201282.2, NM_201283.2 and 1 more transcripts); c.646C>T, p.Leu216Phe (NM_001346900.2); c.89-1762C>T (NM_001346941.2); short protein forms L216F, L224F, L269F.
Identifiers: ClinVar variation 4741112 (VCV004741112.1).

ClinVar aggregate classification (germline): Uncertain significance (1 of 4 stars; one submission).

Conditions:
EGFR-related lung cancer (EGFR). Identifiers: MedGen CN130014.

Submission:

Labcorp Genetics (formerly Invitae), Labcorp
Classification: Uncertain significance for EGFR-related lung cancer. Last evaluated: 2025-11-23. Review status: criteria provided, single submitter. Criteria: Invitae Variant Classification Sherloc (09022015). Collection method: clinical testing. Allele origin: germline.
Comment: This sequence change replaces leucine, which is neutral and non-polar, with phenylalanine, which is neutral and non-polar, at codon 269 of the EGFR protein (p.Leu269Phe). This variant is present in population databases (no rsID available, gnomAD 0.0009%). This variant has not been reported in the literature in individuals affected with EGFR-related conditions. Invitae Evidence Modeling of protein sequence and biophysical properties (such as structural, functional, and spatial information, amino acid conservation, physicochemical variation, residue mobility, and thermodynamic stability) indicates that this missense variant is not expected to disrupt EGFR protein function with a negative predictive value of 80%. In summary, the available evidence is currently insufficient to determine the role of this variant in disease. Therefore, it has been classified as a Variant of Uncertain Significance.